The following is an entry in ClinVar:

ClinVar aggregate classification (germline): Uncertain significance. Review status: criteria provided, multiple submitters, no conflicts (2 of 4 stars). 2 submissions from 2 submitters: Uncertain significance (2). Last evaluated 2025-06-19.

Conditions:
Charcot-Marie-Tooth disease axonal type 2Z. Also called: CHARCOT-MARIE-TOOTH DISEASE, AXONAL, AUTOSOMAL DOMINANT, TYPE 2Z; CHARCOT-MARIE-TOOTH NEUROPATHY, TYPE 2Z. Identifiers: Orphanet 466768, MedGen C5569025, MONDO:0014736, OMIM 616688.

Allele frequency attached by ClinVar (database versions not stated): ExAC 0.00001; gnomAD 0.00001; gnomAD exomes 0.00001 and 0.00003; ESP Exome Variant Server 0.00008.
gnomAD v4.1: 15 of 1,614,020 alleles (0.00093%); highest among the groups gnomAD compares: South Asian, 0.0022%; no homozygotes.

Submissions (2):

Labcorp Genetics (formerly Invitae), Labcorp
Classification: Uncertain significance for Charcot-Marie-Tooth disease axonal type 2Z. Last evaluated: 2025-06-19. Review status: criteria provided, single submitter. Criteria: Invitae Variant Classification Sherloc (09022015). Collection method: clinical testing. Allele origin: germline.
Comment: This sequence change replaces arginine, which is basic and polar, with histidine, which is basic and polar, at codon 968 of the MORC2 protein (p.Arg968His). This variant is present in population databases (rs370918395, gnomAD 0.006%). This variant has not been reported in the literature in individuals affected with MORC2-related conditions. ClinVar contains an entry for this variant (Variation ID: 1426101). Invitae Evidence Modeling of protein sequence and biophysical properties (such as structural, functional, and spatial information, amino acid conservation, physicochemical variation, residue mobility, and thermodynamic stability) indicates that this missense variant is not expected to disrupt MORC2 protein function with a negative predictive value of 95%. In summary, the available evidence is currently insufficient to determine the role of this variant in disease. Therefore, it has been classified as a Variant of Uncertain Significance.

Women's Health and Genetics/Laboratory Corporation of America, LabCorp
Classification: Uncertain significance. Last evaluated: 2024-07-23. Review status: criteria provided, single submitter. Criteria: LabCorp Variant Classification Summary - May 2015. Collection method: clinical testing. Allele origin: germline.
Comment: Variant summary: MORC2 c.2903G>A (p.Arg968His) results in a non-conservative amino acid change in the encoded protein sequence. Three of five in-silico tools predict a damaging effect of the variant on protein function. The variant allele was found at a frequency of 2.8e-05 in 251472 control chromosomes. The available data on variant occurrences in the general population are insufficient to allow any conclusion about variant significance. To our knowledge, no occurrence of c.2903G>A in individuals affected with Developmental Delay, Impaired Growth, Dysmorphic Facies, And Axonal Neuropathy and no experimental evidence demonstrating its impact on protein function have been reported. ClinVar contains an entry for this variant (Variation ID: 1426101). Based on the evidence outlined above, the variant was classified as uncertain significance.

NM_001303256.3(MORC2):c.2903G>A (p.Arg968His)

Gene: MORC2 (MORC family CW-type zinc finger 2; minus strand). Cytogenetic location: 22q12.2.
Variant type: single nucleotide variant.
Coding change: c.2903G>A on transcript NM_001303256.3 (MANE Select); coding-DNA position 2903, G replaced by A.
Protein change: p.Arg968His; replaces arginine 968 with histidine.
Molecular consequence: missense variant.
Genome position (GRCh38, 1-based): chr22:30,928,146, C>T on the plus strand (G>A on the coding strand, the complement: MORC2 is on the minus strand). VCF-style: chr22-30928146-C-T. GRCh37 (hg19) VCF-style: chr22-31324133-C-T.
Other names: c.2903G>A, p.Arg968His (NM_001303257.2); c.2717G>A, p.Arg906His (NM_014941.3); short protein forms R906H, R968H.
Identifiers: ClinVar variation 1426101 (VCV001426101.7), dbSNP rs370918395, ClinGen allele CA10186515.
Genomic context (GRCh38, chr22:30,928,146, plus strand): 5'-CGGAGCTTCCTCTCGGAGGTGCGCAGGCTTTCCTCGGAGGCCTTGGCCCGGGAGTCAGCA[C>T]GGCTCTGGTAGGAATTGCACAGGTTTTGGAGCCCTACTTCATATTGCTTGAAGTACTCCT-3'
Protein context (NP_001290185.1, residues 958-978): LQNLCNSYQS[Arg968His]ADSRAKASEE